The following is an entry in ClinVar:

NM_001134363.3(RBM20):c.1339G>A (p.Ala447Thr)

Gene: RBM20 (RNA binding motif protein 20; plus strand). Cytogenetic location: 10q25.2.
Variant type: single nucleotide variant.
Coding change: c.1339G>A on transcript NM_001134363.3 (MANE Select); coding-DNA position 1339, G replaced by A.
Protein change: p.Ala447Thr; replaces alanine 447 with threonine.
Molecular consequence: missense variant.
Genome position (GRCh38, 1-based): chr10:110,784,342, G>A. VCF-style: chr10-110784342-G-A. GRCh37 (hg19) VCF-style: chr10-112544100-G-A.
Other names: short protein forms A447T.
Identifiers: ClinVar variation 2915402 (VCV002915402.3), dbSNP rs2493421001, ClinGen allele CA378387545.

ClinVar aggregate classification (germline): Uncertain significance (1 of 4 stars; one submission).

Conditions:
Dilated cardiomyopathy 1DD (CMD1DD). Identifiers: Orphanet 154, MedGen C2750995, MONDO:0013168, OMIM 613172.

Submission:

Labcorp Genetics (formerly Invitae), Labcorp
Classification: Uncertain significance for Dilated cardiomyopathy 1DD. Last evaluated: 2024-10-18. Review status: criteria provided, single submitter. Criteria: Invitae Variant Classification Sherloc (09022015). Collection method: clinical testing. Allele origin: germline.
Comment: This sequence change replaces alanine, which is neutral and non-polar, with threonine, which is neutral and polar, at codon 447 of the RBM20 protein (p.Ala447Thr). This variant is not present in population databases (gnomAD no frequency). This variant has not been reported in the literature in individuals affected with RBM20-related conditions. An algorithm developed to predict the effect of missense changes on protein structure and function (PolyPhen-2) suggests that this variant is likely to be tolerated. In summary, the available evidence is currently insufficient to determine the role of this variant in disease. Therefore, it has been classified as a Variant of Uncertain Significance.